The following is an entry in ClinVar:

NM_000492.4(CFTR):c.131A>T (p.Asp44Val)

Gene: CFTR (CF transmembrane conductance regulator; plus strand). Cytogenetic location: 7q31.2.
Variant type: single nucleotide variant.
Coding change: c.131A>T on transcript NM_000492.4 (MANE Select); coding-DNA position 131, A replaced by T.
Protein change: p.Asp44Val; replaces aspartic acid 44 with valine.
Molecular consequence: missense variant.
Genome position (GRCh38, 1-based): chr7:117,504,330, A>T. VCF-style: chr7-117504330-A-T. GRCh37 (hg19) VCF-style: chr7-117144384-A-T.
Other names: short protein forms D44V.
Identifiers: ClinVar variation 2023689 (VCV002023689.3), dbSNP rs1800074, ClinGen allele CA4450645.

ClinVar aggregate classification (germline): Uncertain significance. Review status: criteria provided, multiple submitters, no conflicts (2 of 4 stars). 3 submissions from 3 submitters: Uncertain significance (3). Last evaluated 2026-02-09.

Conditions:
Cystic fibrosis (CF). Also called: MUCOVISCIDOSIS. Identifiers: Orphanet 586, MedGen C0010674, MONDO:0009061, OMIM 219700. Disease mechanism: loss of function.

Allele frequency attached by ClinVar (database versions not stated): gnomAD 0.00001; TOPMed 0.00001; gnomAD exomes below 0.00001; ExAC 0.00001.
gnomAD v4.1: 3 of 1,607,062 alleles (0.00019%); highest among the groups gnomAD compares: Non-Finnish European, 0.00026%; no homozygotes.

Submissions (3):

Women's Health and Genetics/Laboratory Corporation of America, LabCorp
Classification: Uncertain significance. Last evaluated: 2026-02-09. Review status: criteria provided, single submitter. Criteria: LabCorp Variant Classification Summary - May 2015. Collection method: clinical testing. Allele origin: germline.
Comment: Variant summary: CFTR c.131A>T (p.Asp44Val) results in a non-conservative amino acid change in the encoded protein sequence. Algorithms developed to predict the effect of missense changes on protein structure and function all suggest that this variant is likely to be disruptive. The variant allele was found at a frequency of 4e-06 in 250818 control chromosomes. The available data on variant occurrences in the general population are insufficient to allow any conclusion about variant significance. c.131A>T has been observed in an individual affected with Cystic Fibrosis with no second CFTR variant reported (Fanen_1992). This report does not provide unequivocal conclusions about association of the variant with CFTR-related conditions. To our knowledge, no experimental evidence demonstrating an impact on protein function has been reported. The following publication has been ascertained in the context of this evaluation (PMID: 1379210). ClinVar contains an entry for this variant (Variation ID: 2023689). Based on the evidence outlined above, the variant was classified as uncertain significance.

Ambry Genetics
Classification: Uncertain significance for Cystic fibrosis. Last evaluated: 2025-04-01. Review status: criteria provided, single submitter. Criteria: Ambry Variant Classification Scheme 2023. Collection method: clinical testing. Allele origin: germline.
Comment: The p.D44V variant (also known as c.131A>T), located in coding exon 2 of the CFTR gene, results from an A to T substitution at nucleotide position 131. The aspartic acid at codon 44 is replaced by valine, an amino acid with highly dissimilar properties. This amino acid position is well conserved in available vertebrate species. In addition, this alteration is predicted to be deleterious by in silico analysis. Based on the available evidence, the clinical significance of this variant remains unclear.

Labcorp Genetics (formerly Invitae), Labcorp
Classification: Uncertain significance for Cystic fibrosis. Last evaluated: 2022-09-21. Review status: criteria provided, single submitter. Criteria: Invitae Variant Classification Sherloc (09022015). Collection method: clinical testing. Allele origin: germline.
Comment: This sequence change replaces aspartic acid, which is acidic and polar, with valine, which is neutral and non-polar, at codon 44 of the CFTR protein (p.Asp44Val). This variant is not present in population databases (gnomAD no frequency). This missense change has been observed in individual(s) with clinical features of cystic fibrosis (PMID: 1379210). This variant is also known as 263A>T. Advanced modeling of protein sequence and biophysical properties (such as structural, functional, and spatial information, amino acid conservation, physicochemical variation, residue mobility, and thermodynamic stability) performed at Invitae indicates that this missense variant is expected to disrupt CFTR protein function. In summary, the available evidence is currently insufficient to determine the role of this variant in disease. Therefore, it has been classified as a Variant of Uncertain Significance.

Literature cited by the submitters: PubMed 1379210 (cited by Women's Health and Genetics/Laboratory Corporation of America, LabCorp and Labcorp Genetics (formerly Invitae), Labcorp).